The following is an entry in ClinVar:

NM_001267550.2(TTN):c.65098_65102del (p.Glu21700fs)

Genes: TTN (titin; minus strand), TTN-AS1 (TTN antisense RNA 1; plus strand). Cytogenetic location: 2q31.2.
Variant type: Deletion.
Coding change: c.65098_65102del on transcript NM_001267550.2 (MANE Select); coding-DNA positions 65098 to 65102, 5 bases deleted (GAAAG; older notation c.65098_65102delGAAAG).
Protein change: p.Glu21700fs; shifts the reading frame from glutamic acid 21700.
Molecular consequence: frameshift variant.
Genome position (GRCh38, 1-based): chr2:178,584,449-178,584,453, CTTTC deleted on the plus strand (GAAAG on the coding strand, the reverse complement: TTN is on the minus strand); deleting any 5 consecutive bases within chr2:178,584,449-178,584,456 gives the same sequence; the c. name uses the placement nearest the transcript's 3' end. VCF-style (leftmost placement, unchanged base first): chr2-178584448-TCTTTC-T. GRCh37 (hg19) VCF-style: chr2-179449175-TCTTTC-T.
Other names: c.60175_60179del, p.Glu20059fs (NM_001256850.1); c.37903_37907del, p.Glu12635fs (NM_003319.4); c.57394_57398del, p.Glu19132fs (NM_133378.4); c.38278_38282del, p.Glu12760fs (NM_133432.3); c.38479_38483del, p.Glu12827fs (NM_133437.4); short protein forms E12635fs, E12760fs, E12827fs, E19132fs, E20059fs, E21700fs.
Identifiers: ClinVar variation 3760226 (VCV003760226.2).

ClinVar aggregate classification (germline): Likely pathogenic (1 of 4 stars; one submission).

Conditions:
Dilated cardiomyopathy 1G (CMD1G). Identifiers: Orphanet 154, MedGen C1858763, MONDO:0011400, OMIM 604145.
Autosomal recessive limb-girdle muscular dystrophy type 2J (LGMDR10). Also called: Limb-girdle muscular dystrophy, type 2J; MUSCULAR DYSTROPHY, LIMB-GIRDLE, AUTOSOMAL RECESSIVE 10. Identifiers: Orphanet 140922, MedGen C1837342, MONDO:0012127, OMIM 608807.

Submission:

Labcorp Genetics (formerly Invitae), Labcorp
Classification: Likely pathogenic for Dilated cardiomyopathy 1G; Autosomal recessive limb-girdle muscular dystrophy type 2J. Last evaluated: 2025-01-01. Review status: criteria provided, single submitter. Criteria: Invitae Variant Classification Sherloc (09022015). Collection method: clinical testing. Allele origin: germline.
Comment: This sequence change creates a premature translational stop signal (p.Glu21700Lysfs*10) in the TTN gene. While this is not anticipated to result in nonsense mediated decay, it is expected to create a truncated TTN protein. This variant is not present in population databases (gnomAD no frequency). This variant has not been reported in the literature in individuals affected with TTN-related conditions. This variant is located in the A band of TTN (PMID: 25589632). Truncating variants in this region are significantly overrepresented in patients affected with dilated cardiomyopathy (PMID: 25589632). Truncating variants in this region have also been reported in individuals affected with autosomal recessive centronuclear myopathy (PMID: 23975875). In summary, the currently available evidence indicates that the variant is pathogenic, but additional data are needed to prove that conclusively. Therefore, this variant has been classified as Likely Pathogenic.

Literature cited by the submitters: PubMed 25589632; PubMed 23975875.